The following is an entry in ClinVar:

ClinVar aggregate classification (germline): Uncertain significance (1 of 4 stars; one submission).

Conditions:
Microcephaly 2, primary, autosomal recessive, with or without cortical malformations. Also called: MICROCEPHALY 2, PRIMARY, AUTOSOMAL RECESSIVE, WITH CORTICAL MALFORMATIONS; WDR62 Primary Microcephaly. Identifiers: Orphanet 2512, MedGen C1858535, MONDO:0011435, OMIM 604317.

Allele frequency attached by ClinVar (database versions not stated): TOPMed 0.00001.
gnomAD v4.1: 1 of 1,614,168 alleles (0.000062%); highest among the groups gnomAD compares: Non-Finnish European, 0.000085%; no homozygotes.

Submission:

Centre for Mendelian Genomics, University Medical Centre Ljubljana
Classification: Uncertain significance for Microcephaly 2, primary, autosomal recessive, with or without cortical malformations. Last evaluated: 2019-05-06. Review status: criteria provided, single submitter. Criteria: ACMG Guidelines, 2015. Collection method: clinical testing. Allele origin: unknown. Affected: yes.
Comment: This variant was classified as: Uncertain significance. The available evidence favors the benign nature of this variant, however the evidence is insufficent to prove its benign nature. The following ACMG criteria were applied in classifying this variant: PM2,PP3.

NM_001083961.2(WDR62):c.2728C>A (p.Leu910Met)

Gene: WDR62 (WD repeat domain 62; plus strand). Cytogenetic location: 19q13.12.
Variant type: single nucleotide variant.
Coding change: c.2728C>A on transcript NM_001083961.2 (MANE Select); coding-DNA position 2728, C replaced by A.
Protein change: p.Leu910Met; replaces leucine 910 with methionine.
Molecular consequence: missense variant.
Genome position (GRCh38, 1-based): chr19:36,099,606, C>A. VCF-style: chr19-36099606-C-A. GRCh37 (hg19) VCF-style: chr19-36590508-C-A.
Other names: c.2728C>A, p.Leu910Met (NM_173636.5); short protein forms L910M.
Identifiers: ClinVar variation 930430 (VCV000930430.3), dbSNP rs1279068945, ClinGen allele CA405444927.
Genomic context (GRCh38, chr19:36,099,606, plus strand): 5'-AAGCCCGAGAGTCTGGAGAACTCCATTCTGGATTCACTGGAGCCACAGAGCCTGGCCAGC[C>A]TGCTGAGTGAGGTACACACTTCCACCGCAGCCTGGCCCATAGCCCCGGCACCGTGACGGC-3'
Protein context (NP_001077430.1, residues 900-920): DSLEPQSLAS[Leu910Met]LSESESPQEA